The following is an entry in ClinVar:

NM_005515.4(MNX1):c.313G>C (p.Gly105Arg)

Gene: MNX1 (motor neuron and pancreas homeobox 1; minus strand). Cytogenetic location: 7q36.3.
Variant type: single nucleotide variant.
Coding change: c.313G>C on transcript NM_005515.4 (MANE Select); coding-DNA position 313, G replaced by C.
Protein change: p.Gly105Arg; replaces glycine 105 with arginine.
Molecular consequence: missense variant.
Genome position (GRCh38, 1-based): chr7:157,010,038, C>G on the plus strand (G>C on the coding strand, the complement: MNX1 is on the minus strand). VCF-style: chr7-157010038-C-G. GRCh37 (hg19) VCF-style: chr7-156802732-C-G.
Other names: c.313G>C (NM_005515.3); short protein forms G105R.
Identifiers: ClinVar variation 1470395 (VCV001470395.7), dbSNP rs1805684139, ClinGen allele CA370164816.

ClinVar aggregate classification (germline): Uncertain significance. Review status: criteria provided, multiple submitters, no conflicts (2 of 4 stars). 2 submissions from 2 submitters: Uncertain significance (2). Last evaluated 2025-06-08.

Conditions:
Inborn genetic diseases. Identifiers: MedGen C0950123, MeSH D030342.

Submissions (2):

Labcorp Genetics (formerly Invitae), Labcorp
Classification: Uncertain significance. Last evaluated: 2025-06-08. Review status: criteria provided, single submitter. Criteria: Invitae Variant Classification Sherloc (09022015). Collection method: clinical testing. Allele origin: germline.
Comment: This sequence change replaces glycine, which is neutral and non-polar, with arginine, which is basic and polar, at codon 105 of the MNX1 protein (p.Gly105Arg). The frequency data for this variant in the population databases is considered unreliable, as metrics indicate insufficient coverage at this position in the gnomAD database. This variant has not been reported in the literature in individuals affected with MNX1-related conditions. ClinVar contains an entry for this variant (Variation ID: 1470395). Invitae Evidence Modeling of protein sequence and biophysical properties (such as structural, functional, and spatial information, amino acid conservation, physicochemical variation, residue mobility, and thermodynamic stability) indicates that this missense variant is not expected to disrupt MNX1 protein function with a negative predictive value of 80%. In summary, the available evidence is currently insufficient to determine the role of this variant in disease. Therefore, it has been classified as a Variant of Uncertain Significance.

Ambry Genetics
Classification: Uncertain significance for Inborn genetic diseases. Last evaluated: 2022-12-27. Review status: criteria provided, single submitter. Criteria: Ambry Variant Classification Scheme 2023. Collection method: clinical testing. Allele origin: germline.